The following is an entry in ClinVar:

NM_001854.4(COL11A1):c.5232T>C (p.Tyr1744=)

Genes: COL11A1 (collagen type XI alpha 1 chain; minus strand), LOC126805814 (P300/CBP strongly-dependent group 1 enhancer GRCh37_chr1:103344928-103346127; plus strand). Cytogenetic location: 1p21.1.
Variant type: single nucleotide variant.
Coding change: c.5232T>C on transcript NM_001854.4 (MANE Select); coding-DNA position 5232, T replaced by C.
Protein change: p.Tyr1744=; no amino-acid change (tyrosine 1744 retained).
Molecular consequence: synonymous variant. On other transcripts: non-coding transcript variant (1).
Genome position (GRCh38, 1-based): chr1:102,879,725, A>G on the plus strand (T>C on the coding strand, the complement: COL11A1 is on the minus strand). VCF-style: chr1-102879725-A-G. GRCh37 (hg19) VCF-style: chr1-103345281-A-G.
Other names: c.5115T>C, p.Tyr1705= (NM_001190709.2); c.5268T>C, p.Tyr1756= (NM_080629.3); c.4884T>C, p.Tyr1628= (NM_080630.4).
Identifiers: ClinVar variation 4996455 (VCV004996455.1).

ClinVar aggregate classification (germline): Likely benign (1 of 4 stars; one submission).

Conditions:
COL11A1-related disorder. Also called: COL11A1-related condition; COL11A1-related disorders.

gnomAD v4.1: 2 of 1,613,924 alleles (0.00012%); highest among the groups gnomAD compares: Non-Finnish European, 0.00017%; no homozygotes.

Submission:

PreventionGenetics, part of Exact Sciences
Classification: Likely benign for COL11A1-related condition. Last evaluated: 2025-11-26. Review status: criteria provided, single submitter. Criteria: ACMG Guidelines, 2015. Collection method: clinical testing. Allele origin: germline.
Comment: This variant is classified as likely benign based on ACMG/AMP sequence variant interpretation guidelines (Richards et al. 2015 PMID: 25741868, with internal and published modifications).